The following is an entry in ClinVar:

ClinVar aggregate classification (germline): Uncertain significance (1 of 4 stars; one submission).

gnomAD v4.1: 13 of 1,614,212 alleles (0.00081%); highest among the groups gnomAD compares: Non-Finnish European, 0.0011%; no homozygotes.

Submission:

Labcorp Genetics (formerly Invitae), Labcorp
Classification: Uncertain significance. Last evaluated: 2024-03-28. Review status: criteria provided, single submitter. Criteria: Invitae Variant Classification Sherloc (09022015). Collection method: clinical testing. Allele origin: germline.
Comment: This sequence change replaces glutamic acid, which is acidic and polar, with aspartic acid, which is acidic and polar, at codon 2621 of the SRCAP protein (p.Glu2621Asp). This variant is present in population databases (rs529665661, gnomAD 0.004%). This variant has not been reported in the literature in individuals affected with SRCAP-related conditions. Advanced modeling of protein sequence and biophysical properties (such as structural, functional, and spatial information, amino acid conservation, physicochemical variation, residue mobility, and thermodynamic stability) performed at Invitae indicates that this missense variant is not expected to disrupt SRCAP protein function with a negative predictive value of 80%. In summary, the available evidence is currently insufficient to determine the role of this variant in disease. Therefore, it has been classified as a Variant of Uncertain Significance.

NM_006662.3(SRCAP):c.7863G>C (p.Glu2621Asp)

Gene: SRCAP (Snf2 related CREBBP activator protein; plus strand). Cytogenetic location: 16p11.2.
Variant type: single nucleotide variant.
Coding change: c.7863G>C on transcript NM_006662.3 (MANE Select); coding-DNA position 7863, G replaced by C.
Protein change: p.Glu2621Asp; replaces glutamic acid 2621 with aspartic acid.
Molecular consequence: missense variant.
Genome position (GRCh38, 1-based): chr16:30,737,903, G>C. VCF-style: chr16-30737903-G-C. GRCh37 (hg19) VCF-style: chr16-30749224-G-C.
Other names: short protein forms E2621D.
Identifiers: ClinVar variation 3619043 (VCV003619043.2).